The following is an entry in ClinVar:

NM_016642.4(SPTBN5):c.2633A>G (p.Tyr878Cys)

Gene: SPTBN5 (spectrin beta, non-erythrocytic 5; minus strand). Cytogenetic location: 15q15.1.
Variant type: single nucleotide variant.
Coding change: c.2633A>G on transcript NM_016642.4 (MANE Select); coding-DNA position 2633, A replaced by G.
Protein change: p.Tyr878Cys; replaces tyrosine 878 with cysteine.
Molecular consequence: missense variant.
Genome position (GRCh38, 1-based): chr15:41,881,059, T>C on the plus strand (A>G on the coding strand, the complement: SPTBN5 is on the minus strand). VCF-style: chr15-41881059-T-C. GRCh37 (hg19) VCF-style: chr15-42173257-T-C.
Other names: short protein forms Y878C.
Identifiers: ClinVar variation 2316405 (VCV002316405.27), dbSNP rs776261110, ClinGen allele CA7503869.
Genomic context (GRCh38, chr15:41,881,059, plus strand): 5'-AAGGACTCGAGCATTTCTTGAAAAAGAAGTGTTACCTGTGCCAGGGCCCGCAGACTCTCA[T>C]AGTCCTGACTCAAGTGGTCCTGTGTCTGGAGTATAGTGTTGGGATCAAAGTCAGGGTCAG-3'
Protein context (NP_057726.4, residues 868-888): LQTQDHLSQD[Tyr878Cys]ESLRALAQLR

ClinVar aggregate classification (germline): Conflicting classifications of pathogenicity. Review status: criteria provided, conflicting classifications (1 of 4 stars). 2 submissions from 2 submitters: Uncertain significance (1); Benign (1). Last evaluated 2024-09-27.

Allele frequency attached by ClinVar (database versions not stated): gnomAD exomes 0.00003; ExAC 0.00011; TOPMed 0.00021; gnomAD 0.00025.
gnomAD v4.1: 79 of 1,599,854 alleles (0.0049%); highest among the groups gnomAD compares: Admixed American, 0.1%; 1 homozygote.

Submissions (2):

Ambry Genetics
Classification: Uncertain significance. Last evaluated: 2024-09-27. Review status: criteria provided, single submitter. Criteria: Ambry Variant Classification Scheme 2023. Collection method: clinical testing. Allele origin: germline.

CeGaT Center for Human Genetics Tuebingen
Classification: Benign. Last evaluated: 2022-05-01. Review status: criteria provided, single submitter. Criteria: CeGaT Center For Human Genetics Tuebingen Variant Classification Criteria Version 2. Collection method: clinical testing. Allele origin: germline. Affected: yes. Observed: 1 variant allele.
Comment: SPTBN5: BS1, BS2